The following is an entry in ClinVar:

ClinVar aggregate classification (germline): Likely pathogenic (1 of 4 stars; one submission).

Conditions:
Rare genetic deafness. Identifiers: Orphanet 96210, MedGen C5680250.

Submission:

Laboratory for Molecular Medicine, Mass General Brigham Personalized Medicine
Classification: Likely pathogenic for Rare genetic deafness. Last evaluated: 2022-11-03. Review status: criteria provided, single submitter. Criteria: ACMG Guidelines, 2015. Collection method: clinical testing. Allele origin: germline.
Comment: The p.Ser202AlafsX77 variant in PDZD7 has not been reported in individuals with hearing loss and was absent from large population studies. This variant is predicted to cause a frameshift, which alters the protein’s amino acid sequence beginning at position 202 and leads to a premature termination codon 77 amino acids downstream. This alteration is then predicted to lead to a truncated or absent protein. Loss of function of the PDZD7 gene is an established disease mechanism in autosomal recessive hearing loss. In summary, although additional studies are required to fully establish its clinical significance, this variant meets criteria to be classified as likely pathogenic for autosomal recessive hearing loss. ACMG/AMP Criteria applied: PM2_supporting, PVS1.

NM_001195263.2(PDZD7):c.604del (p.Ser202fs)

Gene: PDZD7 (PDZ domain containing 7; minus strand). Cytogenetic location: 10q24.31.
Variant type: Deletion.
Coding change: c.604del on transcript NM_001195263.2 (MANE Select); coding-DNA position 604, one base deleted (A; older notation c.604delA).
Protein change: p.Ser202fs; shifts the reading frame from serine 202.
Molecular consequence: frameshift variant.
Genome position (GRCh38, 1-based): chr10:101,022,324, T deleted on the plus strand (A on the coding strand, the reverse complement: PDZD7 is on the minus strand). VCF-style (leftmost placement, unchanged base first): chr10-101022323-CT-C. GRCh37 (hg19) VCF-style: chr10-102782080-CT-C.
Other names: c.604del, p.Ser202fs (NM_001351044.2, NM_024895.5); short protein forms S202fs.
Identifiers: ClinVar variation 3075909 (VCV003075909.1), dbSNP rs2492943549, ClinGen allele CA2825001675.